The following is an entry in ClinVar:

NM_003640.5(ELP1):c.969G>A (p.Trp323Ter)

Gene: ELP1 (elongator acetyltransferase complex subunit 1; minus strand). Cytogenetic location: 9q31.3.
Variant type: single nucleotide variant.
Coding change: c.969G>A on transcript NM_003640.5 (MANE Select); coding-DNA position 969, G replaced by A.
Protein change: p.Trp323Ter; replaces tryptophan 323 with a stop codon.
Molecular consequence: nonsense. On other transcripts: 5 prime UTR variant (1).
Genome position (GRCh38, 1-based): chr9:108,912,484, C>T on the plus strand (G>A on the coding strand, the complement: ELP1 is on the minus strand). VCF-style: chr9-108912484-C-T. GRCh37 (hg19) VCF-style: chr9-111674764-C-T.
Other names: c.969G>A (NM_003640.4); c.627G>A, p.Trp209Ter (NM_001318360.2); c.-79G>A (NM_001330749.2); short protein forms W323*, W209*.
Identifiers: ClinVar variation 1453211 (VCV001453211.7), dbSNP rs1829266738, ClinGen allele CA374429698.
Genomic context (GRCh38, chr9:108,912,484, plus strand): 5'-CTTCCCACAGGTGCTGAAGGATAAACTTTGCTTGAGATACCAGTGATAGTTTCCAACAGT[C>T]CAGAGCTGAACTGCAAGGGAAAATGAAAAGAAGGCCGTTAGAGGCTGGGAAGCAGACTTC-3'

ClinVar aggregate classification (germline): Pathogenic/Likely pathogenic. Review status: criteria provided, multiple submitters, no conflicts (2 of 4 stars). 2 submissions from 2 submitters: Pathogenic (1); Likely pathogenic (1). Last evaluated 2025-12-17.

Conditions:
Familial dysautonomia. Also called: HSAN III; FD. Identifiers: Orphanet 1764, MedGen C0013364, MONDO:0009131, OMIM 223900. Disease mechanism: loss of function.

Allele frequency attached by ClinVar (database versions not stated): gnomAD 0.00001.
gnomAD v4.1: 1 of 1,612,530 alleles (0.000062%); highest among the groups gnomAD compares: African/African-American, 0.0013%; no homozygotes.

Submissions (2):

Natera, Inc.
Classification: Likely pathogenic for Familial dysautonomia. Last evaluated: 2025-12-17. Review status: criteria provided, single submitter. Criteria: Natera Variant Classification Schema (03/2026). Collection method: clinical testing. Allele origin: germline.
Comment: The c.969G>A variant in ELP1 is a nonsense variant predicted to introduce a stop codon at amino acid 323. This variant is expected to result in nonsense mediated decay, truncation, or a dysfunctional protein product. This variant is rare in the general population with a frequency below the threshold expected for the associated phenotype(s). Given the available evidence, this variant is classified as Likely Pathogenic.

Labcorp Genetics (formerly Invitae), Labcorp
Classification: Pathogenic. Last evaluated: 2021-10-15. Review status: criteria provided, single submitter. Criteria: Invitae Variant Classification Sherloc (09022015). Collection method: clinical testing. Allele origin: germline.
Comment: This sequence change creates a premature translational stop signal (p.Trp323*) in the ELP1 gene. It is expected to result in an absent or disrupted protein product. Loss-of-function variants in ELP1 are known to be pathogenic (PMID: 18303054, 24173031). This variant is not present in population databases (ExAC no frequency). This variant has not been reported in the literature in individuals affected with ELP1-related conditions. For these reasons, this variant has been classified as Pathogenic.

Literature cited by the submitters: PubMed 18303054 (cited by Labcorp Genetics (formerly Invitae), Labcorp); PubMed 24173031 (cited by Labcorp Genetics (formerly Invitae), Labcorp).